The following is an entry in ClinVar:

NM_020988.3(GNAO1):c.723+4127G>A

Gene: GNAO1 (G protein subunit alpha o1; plus strand). Cytogenetic location: 16q13.
Variant type: single nucleotide variant.
Coding change: c.723+4127G>A on transcript NM_020988.3 (MANE Select); 4127 bases into the intron after coding-DNA position 723, G replaced by A.
Molecular consequence: intron variant. On other transcripts: missense variant (1).
Genome position (GRCh38, 1-based): chr16:56,340,987, G>A. VCF-style: chr16-56340987-G-A. GRCh37 (hg19) VCF-style: chr16-56374899-G-A.
Other names: c.877G>A, p.Gly293Ser (NM_138736.3); short protein forms G293S.
Identifiers: ClinVar variation 4077267 (VCV004077267.1).

ClinVar aggregate classification (germline): Uncertain significance (1 of 4 stars; one submission).

gnomAD v4.1: 2 of 1,612,936 alleles (0.00012%); highest among the groups gnomAD compares: Non-Finnish European, 0.00017%; no homozygotes.

Submission:

GeneDx
Classification: Uncertain significance. Last evaluated: 2025-02-24. Review status: criteria provided, single submitter. Criteria: GeneDx Variant Classification Process June 2021. Collection method: clinical testing. Allele origin: germline. Affected: yes.
Comment: Not observed at significant frequency in large population cohorts (gnomAD); In silico analysis supports that this missense variant has a deleterious effect on protein structure/function; In silico analysis supports a deleterious effect on splicing; Has not been previously published as pathogenic or benign to our knowledge; Reported using an alternate transcript of the gene